The following is an entry in ClinVar:

ClinVar aggregate classification (germline): Benign. Review status: criteria provided, multiple submitters, no conflicts (2 of 4 stars). 4 submissions from 4 submitters: Benign (4). Last evaluated 2026-02-01.

Conditions:
Triosephosphate isomerase deficiency (TPID). Also called: Triose phosphate isomerase deficiency. Identifiers: Orphanet 868, MedGen C1860808, MONDO:0014221, OMIM 615512.

Allele frequency attached by ClinVar (database versions not stated): ESP Exome Variant Server 0.00354; gnomAD 0.01198 and 0.01222; ExAC 0.01599; TOPMed 0.01851; gnomAD exomes 0.02035; 1000 Genomes Project 30x 0.02108; 1000 Genomes Project 0.02117.
gnomAD v4.1: 9,493 of 1,613,004 alleles (0.59%); highest among the groups gnomAD compares: Admixed American, 9.9%; 421 homozygotes.

Submissions (4):

Labcorp Genetics (formerly Invitae), Labcorp
Classification: Benign. Last evaluated: 2026-02-01. Review status: criteria provided, single submitter. Criteria: Invitae Variant Classification Sherloc (09022015). Collection method: clinical testing. Allele origin: germline.

ARUP Laboratories, Molecular Genetics and Genomics, ARUP Laboratories
Classification: Benign for Triosephosphate isomerase deficiency. Last evaluated: 2025-07-28. Review status: criteria provided, single submitter. Criteria: ARUP Molecular Germline Variant Investigation Process 2024. Collection method: clinical testing. Allele origin: germline.

Illumina Laboratory Services, Illumina
Classification: Benign for Triosephosphate isomerase deficiency. Last evaluated: 2018-01-12. Review status: criteria provided, single submitter. Criteria: ICSL Variant Classification Criteria 13 December 2019. Collection method: clinical testing. Allele origin: germline.
Comment: This variant was observed in the ICSL laboratory as part of a predisposition screen in an ostensibly healthy population. It had not been previously curated by ICSL or reported in the Human Gene Mutation Database (HGMD: prior to June 1st, 2018), and was therefore a candidate for classification through an automated scoring system. Utilizing variant allele frequency, disease prevalence and penetrance estimates, and inheritance mode, an automated score was calculated to assess if this variant is too frequent to cause the disease. Based on the score and internal cut-off values, a variant classified as benign is not then subjected to further curation. The score for this variant resulted in a classification of benign for this disease.

Breakthrough Genomics
Classification: Benign. Review status: criteria provided, single submitter. Criteria: ACMG Guidelines, 2015. Collection method: not provided. Allele origin: germline. Inheritance: Autosomal recessive inheritance. Affected: yes.

NM_000365.6(TPI1):c.544-14G>A

Gene: TPI1 (triosephosphate isomerase 1; plus strand). Cytogenetic location: 12p13.31.
Variant type: single nucleotide variant.
Coding change: c.544-14G>A on transcript NM_000365.6 (MANE Select); 14 bases into the intron before coding-DNA position 544, G replaced by A.
Molecular consequence: intron variant.
Genome position (GRCh38, 1-based): chr12:6,870,035, G>A. VCF-style: chr12-6870035-G-A. GRCh37 (hg19) VCF-style: chr12-6979199-G-A.
Other names: c.655-14G>A (NM_001159287.1); c.298-14G>A (NM_001258026.2).
Identifiers: ClinVar variation 310363 (VCV000310363.28), dbSNP rs72661109, ClinGen allele CA6418985.